The following is an entry in ClinVar:

NM_001395413.1(POR):c.229-3T>C

Gene: POR (cytochrome p450 oxidoreductase; plus strand). Cytogenetic location: 7q11.23.
Variant type: single nucleotide variant.
Coding change: c.229-3T>C on transcript NM_001395413.1 (MANE Select); 3 bases into the intron before coding-DNA position 229, T replaced by C.
Molecular consequence: intron variant.
Genome position (GRCh38, 1-based): chr7:75,979,448, T>C. VCF-style: chr7-75979448-T-C. GRCh37 (hg19) VCF-style: chr7-75608766-T-C.
Other names: c.229-3T>C (NM_001382662.3, NM_001382659.3, NM_001367562.3 and 2 more transcripts); c.283-3T>C (NM_001382655.3).
Identifiers: ClinVar variation 2187786 (VCV002187786.3), dbSNP rs782379018, ClinGen allele CA4303554.

ClinVar aggregate classification (germline): Uncertain significance (1 of 4 stars; one submission).

Conditions:
Congenital adrenal hyperplasia due to cytochrome P450 oxidoreductase deficiency. Also called: DISORDERED STEROIDOGENESIS DUE TO POR DEFICIENCY. Identifiers: Orphanet 95699, MedGen C1860042, MONDO:0013310, OMIM 613571.

Allele frequency attached by ClinVar (database versions not stated): ExAC 0.00001; gnomAD exomes 0.00001; gnomAD 0.00005; TOPMed 0.00006.
gnomAD v4.1: 18 of 1,612,230 alleles (0.0011%); highest among the groups gnomAD compares: African/African-American, 0.015%; no homozygotes.

Submission:

Labcorp Genetics (formerly Invitae), Labcorp
Classification: Uncertain significance for Congenital adrenal hyperplasia due to cytochrome P450 oxidoreductase deficiency. Last evaluated: 2024-04-03. Review status: criteria provided, single submitter. Criteria: Invitae Variant Classification Sherloc (09022015). Collection method: clinical testing. Allele origin: germline.
Comment: This sequence change falls in intron 3 of the POR gene. It does not directly change the encoded amino acid sequence of the POR protein. It affects a nucleotide within the consensus splice site. This variant is present in population databases (rs782379018, gnomAD 0.02%). This variant has not been reported in the literature in individuals affected with POR-related conditions. ClinVar contains an entry for this variant (Variation ID: 2187786). Variants that disrupt the consensus splice site are a relatively common cause of aberrant splicing (PMID: 17576681, 9536098). Algorithms developed to predict the effect of sequence changes on RNA splicing suggest that this variant is not likely to affect RNA splicing. In summary, the available evidence is currently insufficient to determine the role of this variant in disease. Therefore, it has been classified as a Variant of Uncertain Significance.

Literature cited by the submitters: PubMed 17576681; PubMed 9536098.